The following is an entry in ClinVar:

ClinVar aggregate classification (germline): Uncertain significance (1 of 4 stars; one submission).

Submission:

GeneDx
Classification: Uncertain significance. Last evaluated: 2026-04-01. Review status: criteria provided, single submitter. Criteria: GeneDx Variant Classification Process June 2021. Collection method: clinical testing. Allele origin: germline.
Comment: Not observed at significant frequency in large population cohorts (gnomAD); In silico analysis suggests that this missense variant does not alter protein structure/function; Has not been previously published as pathogenic or benign to our knowledge

NM_006493.4(CLN5):c.637A>G (p.Asn213Asp)

Gene: CLN5 (CLN5 lysosomal BMP synthase; plus strand). Cytogenetic location: 13q22.3.
Variant type: single nucleotide variant.
Coding change: c.637A>G on transcript NM_006493.4 (MANE Select); coding-DNA position 637, A replaced by G.
Protein change: p.Asn213Asp; replaces asparagine 213 with aspartic acid.
Molecular consequence: missense variant. On other transcripts: 3 prime UTR variant (1).
Genome position (GRCh38, 1-based): chr13:77,000,529, A>G. VCF-style: chr13-77000529-A-G. GRCh37 (hg19) VCF-style: chr13-77574664-A-G.
Other names: c.*86A>G (NM_001366624.2); short protein forms N213D, N262D.
Identifiers: ClinVar variation 5017590 (VCV005017590.1).